The following is an entry in ClinVar:

ClinVar aggregate classification (germline): Likely benign (1 of 4 stars; one submission).

Submission:

CeGaT Center for Human Genetics Tuebingen
Classification: Likely benign. Last evaluated: 2023-09-01. Review status: criteria provided, single submitter. Criteria: CeGaT Center For Human Genetics Tuebingen Variant Classification Criteria Version 2. Collection method: clinical testing. Allele origin: germline. Affected: yes. Observed: 1 variant allele.
Comment: FMN2: PM2:Supporting, BP4, BP7

NM_020066.5(FMN2):c.3129T>A (p.Pro1043=)

Gene: FMN2 (formin 2; plus strand). Cytogenetic location: 1q43.
Variant type: single nucleotide variant.
Coding change: c.3129T>A on transcript NM_020066.5 (MANE Select); coding-DNA position 3129, T replaced by A.
Protein change: p.Pro1043=; no amino-acid change (proline 1043 retained).
Molecular consequence: synonymous variant. On other transcripts: intron variant (1).
Genome position (GRCh38, 1-based): chr1:240,207,941, T>A. VCF-style: chr1-240207941-T-A. GRCh37 (hg19) VCF-style: chr1-240371241-T-A.
Other names: c.3141T>A, p.Pro1047= (NM_001305424.2); c.1986+19679T>A (NM_001348094.2).
Identifiers: ClinVar variation 2640165 (VCV002640165.24), dbSNP rs1346344015, ClinGen allele CA424385494.